The following is an entry in ClinVar:

NM_152732.5(RSPH9):c.117C>A (p.Tyr39Ter)

Gene: RSPH9 (radial spoke head component 9; plus strand). Cytogenetic location: 6p21.1.
Variant type: single nucleotide variant.
Coding change: c.117C>A on transcript NM_152732.5 (MANE Select); coding-DNA position 117, C replaced by A.
Protein change: p.Tyr39Ter; replaces tyrosine 39 with a stop codon.
Molecular consequence: nonsense. On other transcripts: non-coding transcript variant (2).
Genome position (GRCh38, 1-based): chr6:43,645,215, C>A. VCF-style: chr6-43645215-C-A. GRCh37 (hg19) VCF-style: chr6-43612952-C-A.
Other names: c.117C>A, p.Tyr39Ter (NM_001193341.2, NM_001424119.1, NM_001424120.1 and 1 more transcripts); short protein forms Y39*.
Identifiers: ClinVar variation 525272 (VCV000525272.12), dbSNP rs1233811324, ClinGen allele CA364287230.

ClinVar aggregate classification (germline): Pathogenic. Review status: criteria provided, multiple submitters, no conflicts (2 of 4 stars). 2 submissions from 2 submitters: Pathogenic (2). Last evaluated 2023-05-16.

Conditions:
Primary ciliary dyskinesia. Also called: Ciliary dyskinesia. Identifiers: Orphanet 244, MedGen C0008780, MONDO:0016575, HP:0012265.

Allele frequency attached by ClinVar (database versions not stated): gnomAD exomes 0.00001; TOPMed 0.00001.
gnomAD v4.1: 5 of 1,614,084 alleles (0.00031%); highest among the groups gnomAD compares: South Asian, 0.0055%; no homozygotes.

Submissions (2):

Labcorp Genetics (formerly Invitae), Labcorp
Classification: Pathogenic for Primary ciliary dyskinesia. Last evaluated: 2023-05-16. Review status: criteria provided, single submitter. Criteria: Invitae Variant Classification Sherloc (09022015). Collection method: clinical testing. Allele origin: germline.
Comment: For these reasons, this variant has been classified as Pathogenic. ClinVar contains an entry for this variant (Variation ID: 525272). This premature translational stop signal has been observed in individual(s) with primary ciliary dyskinesia (PMID: 24307375). This variant is present in population databases (no rsID available, gnomAD 0.01%). This sequence change creates a premature translational stop signal (p.Tyr39*) in the RSPH9 gene. It is expected to result in an absent or disrupted protein product. Loss-of-function variants in RSPH9 are known to be pathogenic (PMID: 23993197, 25789548).

Ambry Genetics
Classification: Pathogenic for Primary ciliary dyskinesia. Last evaluated: 2016-12-23. Review status: criteria provided, single submitter. Criteria: Ambry Variant Classification Scheme 2023. Collection method: clinical testing. Allele origin: germline.
Comment: The p.Y39* pathogenic mutation (also known as c.117C>A), located in coding exon 1 of the RSPH9 gene, results from a C to A substitution at nucleotide position 117. This changes the amino acid from a tyrosine to a stop codon within coding exon 1. This alteration is expected to result in loss of function by premature protein truncation or nonsense-mediated mRNA decay. As such, this alteration is interpreted as a disease-causing mutation.

Literature cited by the submitters: PubMed 24307375 (cited by Labcorp Genetics (formerly Invitae), Labcorp and Ambry Genetics); PubMed 23993197 (cited by Labcorp Genetics (formerly Invitae), Labcorp); PubMed 25789548 (cited by Labcorp Genetics (formerly Invitae), Labcorp).